The following is an entry in ClinVar:

NM_002637.4(PHKA1):c.3328C>G (p.His1110Asp)

Gene: PHKA1 (phosphorylase kinase regulatory subunit alpha 1; minus strand). Cytogenetic location: Xq13.1.
Variant type: single nucleotide variant.
Coding change: c.3328C>G on transcript NM_002637.4 (MANE Select); coding-DNA position 3328, C replaced by G.
Protein change: p.His1110Asp; replaces histidine 1110 with aspartic acid.
Molecular consequence: missense variant.
Genome position (GRCh38, 1-based): chrX:72,582,568, G>C on the plus strand (C>G on the coding strand, the complement: PHKA1 is on the minus strand). VCF-style: chrX-72582568-G-C. GRCh37 (hg19) VCF-style: chrX-71802418-G-C.
Other names: p.His1110Asp; c.3328C>G (NM_002637.3); c.3289C>G, p.His1097Asp (NM_001122670.2); c.3112C>G, p.His1038Asp (NM_001172436.2); c.3379C>G, p.His1127Asp (NM_001431068.1); short protein forms H1038D, H1097D, H1110D, H1127D.
Identifiers: ClinVar variation 3380748 (VCV003380748.2).

ClinVar aggregate classification (germline): Uncertain significance. Review status: criteria provided, multiple submitters, no conflicts (2 of 4 stars). 2 submissions from 2 submitters: Uncertain significance (2). Last evaluated 2025-12-31.

Conditions:
Inborn genetic diseases. Identifiers: MedGen C0950123, MeSH D030342.

gnomAD v4.1: 11 of 1,199,912 alleles (0.00092%); highest among the groups gnomAD compares: Non-Finnish European, 0.0012%; no homozygotes.

Submissions (2):

Ambry Genetics
Classification: Uncertain significance for Inborn genetic diseases. Last evaluated: 2025-12-31. Review status: criteria provided, single submitter. Criteria: Ambry Variant Classification Scheme 2023. Collection method: clinical testing. Allele origin: germline.

Mayo Clinic Laboratories, Mayo Clinic
Classification: Uncertain significance. Last evaluated: 2024-02-29. Review status: criteria provided, single submitter. Criteria: ACMG Guidelines, 2015. Collection method: clinical testing. Allele origin: germline. Observed: 1 variant allele.
Comment: PM2